The following is an entry in ClinVar:

ClinVar aggregate classification (germline): Likely benign. Review status: criteria provided, multiple submitters, no conflicts (2 of 4 stars). 2 submissions from 2 submitters: Likely benign (2). Last evaluated 2026-01-02.

Conditions:
SLC24A5-related disorder. Also called: SLC24A5-related condition.

Allele frequency attached by ClinVar (database versions not stated): gnomAD exomes 0.00020; ExAC 0.00027; gnomAD 0.00082 and 0.00083; ESP Exome Variant Server 0.00092; 1000 Genomes Project 0.00280; 1000 Genomes Project 30x 0.00281.
gnomAD v4.1: 294 of 1,613,788 alleles (0.018%); highest among the groups gnomAD compares: African/African-American, 0.31%; no homozygotes.

Submissions (2):

PreventionGenetics, part of Exact Sciences
Classification: Likely benign for SLC24A5-related condition. Last evaluated: 2026-01-02. Review status: criteria provided, single submitter. Criteria: ACMG Guidelines, 2015. Collection method: clinical testing. Allele origin: germline.
Comment: This variant is classified as likely benign based on ACMG/AMP sequence variant interpretation guidelines (Richards et al. 2015 PMID: 25741868, with internal and published modifications).

Labcorp Genetics (formerly Invitae), Labcorp
Classification: Likely benign. Last evaluated: 2025-12-01. Review status: criteria provided, single submitter. Criteria: Invitae Variant Classification Sherloc (09022015). Collection method: clinical testing. Allele origin: germline.

NM_205850.3(SLC24A5):c.775C>T (p.Arg259Cys)

Genes: MYEF2 (myelin expression factor 2; minus strand), SLC24A5 (solute carrier family 24 member 5; plus strand). Cytogenetic location: 15q21.1.
Variant type: single nucleotide variant.
Coding change: c.775C>T on transcript NM_205850.3 (MANE Select); coding-DNA position 775, C replaced by T.
Protein change: p.Arg259Cys; replaces arginine 259 with cysteine.
Molecular consequence: missense variant. On other transcripts: 3 prime UTR variant (2).
Genome position (GRCh38, 1-based): chr15:48,136,867, C>T. VCF-style: chr15-48136867-C-T. GRCh37 (hg19) VCF-style: chr15-48429064-C-T.
Other names: c.*6041G>A (NM_001301210.2, NM_016132.5); c.775C>T (NM_205850.2); short protein forms R259C.
Identifiers: ClinVar variation 1541763 (VCV001541763.9), dbSNP rs140666229, ClinGen allele CA7545960.